The following is an entry in ClinVar:

NM_000455.5(STK11):c.1249G>T (p.Ala417Ser)

Gene: STK11 (serine/threonine kinase 11; plus strand). Cytogenetic location: 19p13.3.
Variant type: single nucleotide variant.
Coding change: c.1249G>T on transcript NM_000455.5 (MANE Select); coding-DNA position 1249, G replaced by T.
Protein change: p.Ala417Ser; replaces alanine 417 with serine.
Molecular consequence: missense variant.
Genome position (GRCh38, 1-based): chr19:1,226,594, G>T. VCF-style: chr19-1226594-G-T. GRCh37 (hg19) VCF-style: chr19-1226593-G-T.
Other names: short protein forms A417S.
Identifiers: ClinVar variation 142993 (VCV000142993.34), dbSNP rs587782876, ClinGen allele CA022536.

ClinVar aggregate classification (germline): Conflicting classifications of pathogenicity. Review status: criteria provided, conflicting classifications (1 of 4 stars). 11 submissions from 11 submitters: Uncertain significance (8); Benign (1); Likely benign (1). 1 of the submissions does not count toward it. Last evaluated 2026-02-01.

Conditions:
Breast and/or ovarian cancer. Identifiers: MedGen CN221562.
Hereditary cancer-predisposing syndrome. Also called: Neoplastic Syndromes, Hereditary; Hereditary Cancer Syndrome; Tumor predisposition; Hereditary neoplastic syndrome. Identifiers: Orphanet 140162, MedGen C0027672, MeSH D009386, MONDO:0015356.
Peutz-Jeghers syndrome (PJS). Also called: Peutz-Jeghers polyposis; Periorificial lentiginosis syndrome; POLYPOSIS, HAMARTOMATOUS INTESTINAL; POLYPS-AND-SPOTS SYNDROME. Identifiers: Orphanet 2869, MedGen C0031269, MeSH D010580, MONDO:0008280, OMIM 175200.

Allele frequency attached by ClinVar (database versions not stated): TOPMed 0.00001; gnomAD exomes 0.00001; gnomAD 0.00001.
gnomAD v4.1: 16 of 1,566,176 alleles (0.001%); highest among the groups gnomAD compares: Non-Finnish European, 0.0014%; no homozygotes.

Submissions (11):

Labcorp Genetics (formerly Invitae), Labcorp
Classification: Benign for Peutz-Jeghers syndrome. Last evaluated: 2026-02-01. Review status: criteria provided, single submitter. Criteria: Invitae Variant Classification Sherloc (09022015). Collection method: clinical testing. Allele origin: germline.

GeneDx
Classification: Uncertain significance. Last evaluated: 2024-12-11. Review status: criteria provided, single submitter. Criteria: GeneDx Variant Classification Process June 2021. Collection method: clinical testing. Allele origin: germline.
Comment: Not observed at significant frequency in large population cohorts (gnomAD); In silico analysis indicates that this missense variant does not alter protein structure/function; Published functional studies demonstrate no damaging effect (PMID: 34849607); Observed in an individual with a personal and family history of colorectal and other cancers (PMID: 34326862); This variant is associated with the following publications: (PMID: 28900777, 34849607, 34326862)

All of Us Research Program, National Institutes of Health
Classification: Uncertain significance for Peutz-Jeghers syndrome. Last evaluated: 2024-08-23. Review status: criteria provided, single submitter. Criteria: ACMG Guidelines, 2015. Collection method: clinical testing. Allele origin: germline. Inheritance: Autosomal dominant inheritance. Observed: 5 variant alleles, 5 heterozygotes.
Comment: This missense variant replaces alanine with serine at codon 417 of the STK11 protein. Computational prediction suggests that this variant may not impact protein structure and function (internally defined REVEL score threshold <= 0.5, PMID: 27666373). Functional studies have shown that this variant did not impact autophosphorylation activity (PMID: 34849607). This variant has been reported in an individual affected with Peutz-Jeghers syndrome in the literature. This variant has been identified in 2/166156 chromosomes in the general population by the Genome Aggregation Database (gnomAD). The available evidence is insufficient to determine the role of this variant in disease conclusively. Therefore, this variant is classified as a Variant of Uncertain Significance.

This study involves interpretation of variants in research participants for the purpose of population health screening. Participant phenotype was not available at the time of variant classification. Additional details can be found in publication PMID: 35346344, PMCID: PMC8962531

Color Diagnostics, LLC DBA Color Health
Classification: Uncertain significance for Hereditary cancer-predisposing syndrome. Last evaluated: 2024-07-30. Review status: criteria provided, single submitter. Criteria: ACMG Guidelines, 2015. Collection method: clinical testing. Allele origin: germline.
Comment: This missense variant replaces alanine with serine at codon 417 of the STK11 protein. Computational prediction suggests that this variant may not impact protein structure and function. Functional studies have shown that this variant did not impact autophosphorylation activity (PMID: 34849607). This variant has been reported in an individual affected with Peutz-Jeghers syndrome in the literature. This variant has been identified in 2/166156 chromosomes in the general population by the Genome Aggregation Database (gnomAD). The available evidence is insufficient to determine the role of this variant in disease conclusively. Therefore, this variant is classified as a Variant of Uncertain Significance.

Institute for Biomarker Research, Medical Diagnostic Laboratories, L.L.C.
Classification: Uncertain significance for Hereditary cancer-predisposing syndrome. Last evaluated: 2024-03-22. Review status: criteria provided, single submitter. Criteria: ACMG Guidelines, 2015. Collection method: clinical testing. Allele origin: germline.

Ambry Genetics
Classification: Likely benign for Hereditary cancer-predisposing syndrome. Last evaluated: 2023-12-01. Review status: criteria provided, single submitter. Criteria: Ambry Variant Classification Scheme 2023. Collection method: clinical testing. Allele origin: germline.

CHEO Genetics Diagnostic Laboratory, Children's Hospital of Eastern Ontario
Classification: Uncertain significance for Breast and/or ovarian cancer. Last evaluated: 2023-04-26. Review status: criteria provided, single submitter. Criteria: ACMG Guidelines, 2015. Collection method: clinical testing. Allele origin: germline.

Myriad Genetics, Inc.
Classification: Uncertain significance for Peutz-Jeghers syndrome. Last evaluated: 2023-04-13. Review status: criteria provided, single submitter. Criteria: Myriad Autosomal Dominant, Autosomal Recessive and X-Linked Classification Criteria (2023). Collection method: clinical testing. Allele origin: unknown.
Comment: This variant is classified as a variant of uncertain significance as there is insufficient evidence to determine its impact on protein function and/or cancer risk.

Genome-Nilou Lab
Classification: Uncertain significance for Peutz-Jeghers syndrome. Last evaluated: 2021-07-15. Review status: criteria provided, single submitter. Criteria: ACMG Guidelines, 2015. Collection method: clinical testing. Allele origin: germline. Affected: no.

Illumina Laboratory Services, Illumina
Classification: Uncertain significance for Peutz-Jeghers syndrome. Last evaluated: 2018-01-12. Review status: criteria provided, single submitter. Criteria: ICSL Variant Classification Criteria 13 December 2019. Collection method: clinical testing. Allele origin: germline.

Counsyl
Classification: Uncertain significance for Peutz-Jeghers syndrome. Last evaluated: 2016-12-28. Review status: no assertion criteria provided. Collection method: clinical testing. Allele origin: unknown. Not counted in ClinVar's aggregate classification.

Literature cited by the submitters: PubMed 34849607 (cited by All of Us Research Program, National Institutes of Health and Color Diagnostics, LLC DBA Color Health).